The following is an entry in ClinVar:

ClinVar aggregate classification (germline): Conflicting classifications of pathogenicity. Review status: criteria provided, conflicting classifications (1 of 4 stars). 2 submissions from 2 submitters: Pathogenic (1); Uncertain significance (1). Last evaluated 2023-04-06.

Conditions:
Mucopolysaccharidosis type 6 (MPS6). Also called: N-ACETYLGALACTOSAMINE-4-SULFATASE DEFICIENCY; MPS VI; MPS 6; Maroteaux Lamy syndrome; ARSB DEFICIENCY; ARYLSULFATASE B DEFICIENCY. Identifiers: Orphanet 583, MedGen C0026709, MONDO:0009661, OMIM 253200.

Allele frequency attached by ClinVar (database versions not stated): gnomAD exomes below 0.00001.
gnomAD v4.1: 1 of 1,614,146 alleles (0.000062%); highest among the groups gnomAD compares: Non-Finnish European, 0.000085%; no homozygotes.

Submissions (2):

Labcorp Genetics (formerly Invitae), Labcorp
Classification: Pathogenic for Mucopolysaccharidosis type 6. Last evaluated: 2023-04-06. Review status: criteria provided, single submitter. Criteria: Invitae Variant Classification Sherloc (09022015). Collection method: clinical testing. Allele origin: germline.
Comment: For these reasons, this variant has been classified as Pathogenic. This sequence change replaces cysteine, which is neutral and slightly polar, with tyrosine, which is neutral and polar, at codon 521 of the ARSB protein (p.Cys521Tyr). This variant is not present in population databases (gnomAD no frequency). This missense change has been observed in individual(s) with mucopolysaccharidosis type VI (PMID: 8116615, 10923267, 24373060). ClinVar contains an entry for this variant (Variation ID: 559723). Advanced modeling of protein sequence and biophysical properties (such as structural, functional, and spatial information, amino acid conservation, physicochemical variation, residue mobility, and thermodynamic stability) performed at Invitae indicates that this missense variant is expected to disrupt ARSB protein function. Experimental studies have shown that this missense change affects ARSB function (PMID: 8116615).

Laboratory of Diagnosis and Therapy of Lysosomal Disorders, University of Padova
Classification: Uncertain significance for Mucopolysaccharidosis type 6. Last evaluated: 2018-01-01. Review status: criteria provided, single submitter. Criteria: ACMG Guidelines, 2015. Collection method: curation. Allele origin: germline. Affected: yes.
Comment: Absent from GnomAD (PM2

Literature cited by the submitters: PubMed 8116615 (cited by Labcorp Genetics (formerly Invitae), Labcorp and Laboratory of Diagnosis and Therapy of Lysosomal Disorders, University of Padova); PubMed 10923267 (cited by Labcorp Genetics (formerly Invitae), Labcorp and Laboratory of Diagnosis and Therapy of Lysosomal Disorders, University of Padova); PubMed 24373060 (cited by Labcorp Genetics (formerly Invitae), Labcorp and Laboratory of Diagnosis and Therapy of Lysosomal Disorders, University of Padova); PubMed 30118150 (cited by Laboratory of Diagnosis and Therapy of Lysosomal Disorders, University of Padova).

NM_000046.5(ARSB):c.1562G>A (p.Cys521Tyr)

Gene: ARSB (arylsulfatase B; minus strand). Cytogenetic location: 5q14.1.
Variant type: single nucleotide variant.
Coding change: c.1562G>A on transcript NM_000046.5 (MANE Select); coding-DNA position 1562, G replaced by A.
Protein change: p.Cys521Tyr; replaces cysteine 521 with tyrosine.
Molecular consequence: missense variant.
Genome position (GRCh38, 1-based): chr5:78,780,437, C>T on the plus strand (G>A on the coding strand, the complement: ARSB is on the minus strand). VCF-style: chr5-78780437-C-T. GRCh37 (hg19) VCF-style: chr5-78076260-C-T.
Other names: short protein forms C521Y.
Identifiers: ClinVar variation 559723 (VCV000559723.4), dbSNP rs1554069661, ClinGen allele CA360338847.